The following is an entry in ClinVar:

NM_013382.7(POMT2):c.129_131del (p.Arg44del)

Gene: POMT2 (protein O-mannosyltransferase 2; minus strand). Cytogenetic location: 14q24.3.
Variant type: Deletion.
Coding change: c.129_131del on transcript NM_013382.7 (MANE Select); coding-DNA positions 129 to 131, 3 bases deleted (ACG; older notation c.129_131delACG).
Protein change: p.Arg44del; deletes arginine 44.
Molecular consequence: inframe deletion. On other transcripts: inframe indel (1).
Genome position (GRCh38, 1-based): chr14:77,320,551-77,320,553, CGT deleted on the plus strand (ACG on the coding strand, the reverse complement: POMT2 is on the minus strand). VCF-style (leftmost placement, unchanged base first): chr14-77320550-CCGT-C. GRCh37 (hg19) VCF-style: chr14-77786893-CCGT-C.
Other names: c.129_131del (NM_013382.5); c.129_131delACG, p.Arg44del (NM_013382.5); short protein forms R44del.
Identifiers: ClinVar variation 2004429 (VCV002004429.7), dbSNP rs1449549707, ClinGen allele CA615480037.
Genomic context (GRCh38, chr14:77,320,550, plus strand): 5'-CACCAAGGCCAGCAGGGCCCACCAGCCGACCGCCTCGAAGCGCCGTGAGCCCCAAGCAGG[CCGT>C]TTGGGGCTTCGCGCCACAGCCTCAGCGGCCACGTCCCGGCCTGCGGCCCTAGCAGCCTGG-3'

ClinVar aggregate classification (germline): Uncertain significance. Review status: criteria provided, multiple submitters, no conflicts (2 of 4 stars). 2 submissions from 2 submitters: Uncertain significance (2). Last evaluated 2022-06-20.

Conditions:
Muscular dystrophy-dystroglycanopathy (congenital with impaired intellectual development), type B, 2. Also called: MUSCULAR DYSTROPHY, CONGENITAL, POMT2-RELATED; Muscular dystrophy-dystroglycanopathy (congenital with intellectual disability), type B2. Identifiers: MedGen C3150416, MONDO:0013160, OMIM 613156.
Muscular dystrophy-dystroglycanopathy (congenital with brain and eye anomalies), type A2. Also called: MUSCULAR DYSTROPHY-DYSTROGLYCANOPATHY (CONGENITAL WITH BRAIN AND EYE ANOMALIES), TYPE A, 2; WALKER-WARBURG SYNDROME OR MUSCLE-EYE-BRAIN DISEASE, POMT2-RELATED. Identifiers: Orphanet 588, Orphanet 899, MedGen C3150411, MONDO:0013154, OMIM 613150.
Autosomal recessive limb-girdle muscular dystrophy type 2N. Also called: MUSCULAR DYSTROPHY-DYSTROGLYCANOPATHY, LIMB-GIRDLE, POMT2-RELATED; Muscular dystrophy-dystroglycanopathy (limb-girdle), type C, 2. Identifiers: Orphanet 206559, MedGen C3150418, MONDO:0013162, OMIM 613158.

Allele frequency attached by ClinVar (database versions not stated): TOPMed 0.00001.

Submissions (2):

Revvity Omics, Revvity
Classification: Uncertain significance. Last evaluated: 2022-06-20. Review status: criteria provided, single submitter. Criteria: ACMG Guidelines, 2015. Collection method: clinical testing. Allele origin: germline.

Labcorp Genetics (formerly Invitae), Labcorp
Classification: Uncertain significance for Muscular dystrophy-dystroglycanopathy (congenital with impaired intellectual development), type B, 2; Muscular dystrophy-dystroglycanopathy (congenital with brain and eye anomalies), type A2; Autosomal recessive limb-girdle muscular dystrophy type 2N. Last evaluated: 2022-06-10. Review status: criteria provided, single submitter. Criteria: Invitae Variant Classification Sherloc (09022015). Collection method: clinical testing. Allele origin: germline.
Comment: This variant, c.129_131del, results in the deletion of 1 amino acid(s) of the POMT2 protein (p.Arg44del), but otherwise preserves the integrity of the reading frame. This variant is present in population databases (no rsID available, gnomAD 0.01%). This variant has not been reported in the literature in individuals affected with POMT2-related conditions. Experimental studies and prediction algorithms are not available or were not evaluated, and the functional significance of this variant is currently unknown. In summary, the available evidence is currently insufficient to determine the role of this variant in disease. Therefore, it has been classified as a Variant of Uncertain Significance.